The following is an entry in ClinVar:

ClinVar aggregate classification (germline): Uncertain significance (1 of 4 stars; one submission).

Conditions:
Hereditary pulmonary alveolar proteinosis. Also called: Pulmonary surfactant metabolism dysfunction. Identifiers: Orphanet 264675, MedGen C3711368, MONDO:0012580.

Allele frequency attached by ClinVar (database versions not stated): TOPMed below 0.00001; gnomAD 0.00001; gnomAD exomes 0.00001; ExAC 0.00002; 1000 Genomes Project 30x 0.00016; 1000 Genomes Project 0.00020.
gnomAD v4.1: 12 of 1,613,856 alleles (0.00074%); highest among the groups gnomAD compares: Non-Finnish European, 0.00093%; no homozygotes.

Submission:

Ambry Genetics
Classification: Uncertain significance for Hereditary pulmonary alveolar proteinosis. Last evaluated: 2022-07-23. Review status: criteria provided, single submitter. Criteria: Ambry Variant Classification Scheme 2023. Collection method: clinical testing. Allele origin: germline.
Comment: The p.I242V variant (also known as c.724A>G), located in coding exon 5 of the ABCA3 gene, results from an A to G substitution at nucleotide position 724. The isoleucine at codon 242 is replaced by valine, an amino acid with highly similar properties. This amino acid position is conserved. In addition, this alteration is predicted to be tolerated by in silico analysis. Since supporting evidence is limited at this time, the clinical significance of this alteration remains unclear.

NM_001089.3(ABCA3):c.724A>G (p.Ile242Val)

Gene: ABCA3 (ATP binding cassette subfamily A member 3; minus strand). Cytogenetic location: 16p13.3.
Variant type: single nucleotide variant.
Coding change: c.724A>G on transcript NM_001089.3 (MANE Select); coding-DNA position 724, A replaced by G.
Protein change: p.Ile242Val; replaces isoleucine 242 with valine.
Molecular consequence: missense variant.
Genome position (GRCh38, 1-based): chr16:2,319,730, T>C on the plus strand (A>G on the coding strand, the complement: ABCA3 is on the minus strand). VCF-style: chr16-2319730-T-C. GRCh37 (hg19) VCF-style: chr16-2369731-T-C.
Other names: short protein forms I242V.
Identifiers: ClinVar variation 1757897 (VCV001757897.2), dbSNP rs538282958, ClinGen allele CA7841541.